The following is an entry in ClinVar:

ClinVar aggregate classification (germline): Uncertain significance. Review status: criteria provided, multiple submitters, no conflicts (2 of 4 stars). 2 submissions from 2 submitters: Uncertain significance (2). Last evaluated 2022-09-26.

Conditions:
Inborn genetic diseases. Identifiers: MedGen C0950123, MeSH D030342.

Allele frequency attached by ClinVar (database versions not stated): ExAC 0.00002; TOPMed 0.00002; gnomAD 0.00003; gnomAD exomes 0.00004.
gnomAD v4.1: 58 of 1,614,082 alleles (0.0036%); highest among the groups gnomAD compares: Non-Finnish European, 0.0048%; no homozygotes.

Submissions (2):

Ambry Genetics
Classification: Uncertain significance for Inborn genetic diseases. Last evaluated: 2022-09-26. Review status: criteria provided, single submitter. Criteria: Ambry Variant Classification Scheme 2023. Collection method: clinical testing. Allele origin: germline.

Labcorp Genetics (formerly Invitae), Labcorp
Classification: Uncertain significance. Last evaluated: 2022-06-22. Review status: criteria provided, single submitter. Criteria: Invitae Variant Classification Sherloc (09022015). Collection method: clinical testing. Allele origin: germline.
Comment: This sequence change replaces serine, which is neutral and polar, with asparagine, which is neutral and polar, at codon 1644 of the MCM3AP protein (p.Ser1644Asn). This variant is present in population databases (rs201040538, gnomAD 0.002%). This variant has not been reported in the literature in individuals affected with MCM3AP-related conditions. Algorithms developed to predict the effect of missense changes on protein structure and function output the following: SIFT: "Tolerated"; PolyPhen-2: "Benign"; Align-GVGD: "Class C0". The asparagine amino acid residue is found in multiple mammalian species, which suggests that this missense change does not adversely affect protein function. In summary, the available evidence is currently insufficient to determine the role of this variant in disease. Therefore, it has been classified as a Variant of Uncertain Significance.

NM_003906.5(MCM3AP):c.4931G>A (p.Ser1644Asn)

Genes: MCM3AP (minichromosome maintenance complex component 3 associated protein; minus strand), MCM3AP-AS1 (MCM3AP antisense RNA 1; plus strand). Cytogenetic location: 21q22.3.
Variant type: single nucleotide variant.
Coding change: c.4931G>A on transcript NM_003906.5 (MANE Select); coding-DNA position 4931, G replaced by A.
Protein change: p.Ser1644Asn; replaces serine 1644 with asparagine.
Molecular consequence: missense variant.
Genome position (GRCh38, 1-based): chr21:46,244,914, C>T on the plus strand (G>A on the coding strand, the complement: MCM3AP is on the minus strand). VCF-style: chr21-46244914-C-T. GRCh37 (hg19) VCF-style: chr21-47664828-C-T.
Other names: c.4931G>A (NM_003906.3); short protein forms S1644N.
Identifiers: ClinVar variation 2153915 (VCV002153915.2), dbSNP rs201040538, ClinGen allele CA10075991.